The following is an entry in ClinVar:

NM_024753.5(TTC21B):c.3460-7C>T

Gene: TTC21B (tetratricopeptide repeat domain 21B; minus strand). Cytogenetic location: 2q24.3.
Variant type: single nucleotide variant.
Coding change: c.3460-7C>T on transcript NM_024753.5 (MANE Select); 7 bases into the intron before coding-DNA position 3460, C replaced by T.
Molecular consequence: intron variant.
Genome position (GRCh38, 1-based): chr2:165,884,025, G>A on the plus strand (C>T on the coding strand, the complement: TTC21B is on the minus strand). VCF-style: chr2-165884025-G-A. GRCh37 (hg19) VCF-style: chr2-166740535-G-A.
Identifiers: ClinVar variation 4991910 (VCV004991910.1).

ClinVar aggregate classification (germline): Likely benign (1 of 4 stars; one submission).

Conditions:
TTC21B-related disorder. Also called: TTC21B-related disorders; TTC21B-related condition.

Submission:

PreventionGenetics, part of Exact Sciences
Classification: Likely benign for TTC21B-related condition. Last evaluated: 2026-06-17. Review status: criteria provided, single submitter. Criteria: ACMG Guidelines, 2015. Collection method: clinical testing. Allele origin: germline.
Comment: This variant is classified as likely benign based on ACMG/AMP sequence variant interpretation guidelines (Richards et al. 2015 PMID: 25741868, with internal and published modifications).